The following is an entry in ClinVar:

NM_000142.5(FGFR3):c.2318G>T (p.Gly773Val)

Gene: FGFR3 (fibroblast growth factor receptor 3; plus strand). Cytogenetic location: 4p16.3.
Variant type: single nucleotide variant.
Coding change: c.2318G>T on transcript NM_000142.5 (MANE Select); coding-DNA position 2318, G replaced by T.
Protein change: p.Gly773Val; replaces glycine 773 with valine.
Molecular consequence: missense variant. On other transcripts: synonymous variant (1), non-coding transcript variant (1).
Genome position (GRCh38, 1-based): chr4:1,807,159, G>T. VCF-style: chr4-1807159-G-T. GRCh37 (hg19) VCF-style: chr4-1808886-G-T.
Other names: c.2324G>T, p.Gly775Val (NM_001163213.2); c.2321G>T, p.Gly774Val (NM_001354809.2); c.2250G>T, p.Gly750= (NM_001354810.2); c.1982G>T, p.Gly661Val (NM_022965.4); short protein forms G661V, G773V, G774V, G775V.
Identifiers: ClinVar variation 4857805 (VCV004857805.1).

ClinVar aggregate classification (germline): Uncertain significance (1 of 4 stars; one submission).

Conditions:
FGFR3-related chondrodysplasia. Identifiers: Orphanet 93420, MedGen C5681604, MONDO:0019685.

Submission:

Genomenon, Inc
Classification: Uncertain significance for FGFR3-related chondrodysplasia. Last evaluated: 2026-06-23. Review status: criteria provided, single submitter. Criteria: Genomenon Sequence Variant Interpretation Standards - Updated. Collection method: curation. Allele origin: germline. Affected: no.
Comment: FGFR3 p.Gly773Val (c.2318G>T) is a missense variant that changes the amino acid at codon 773 from Glycine to Valine. This variant has been reported in the published literature (PMID:39064046). It is absent or not present at a significant frequency in gnomAD. In conclusion, we classify FGFR3 p.Gly773Val (c.2318G>T) as a variant of uncertain significance.

Literature cited by the submitters: PubMed 39064046.